The following is an entry in ClinVar:

ClinVar aggregate classification (germline): Uncertain significance (1 of 4 stars; one submission).

Submission:

Ambry Genetics
Classification: Uncertain significance. Last evaluated: 2023-05-14. Review status: criteria provided, single submitter. Criteria: Ambry Variant Classification Scheme 2023. Collection method: clinical testing. Allele origin: germline.
Comment: The p.F2244S variant (also known as c.6731T>C), located in coding exon 23 of the POLQ gene, results from a T to C substitution at nucleotide position 6731. The phenylalanine at codon 2244 is replaced by serine, an amino acid with highly dissimilar properties. This amino acid position is conserved. In addition, the in silico prediction for this alteration is inconclusive. Since supporting evidence is limited at this time, the clinical significance of this alteration remains unclear.

NM_199420.4(POLQ):c.6731T>C (p.Phe2244Ser)

Gene: POLQ (DNA polymerase theta; minus strand). Cytogenetic location: 3q13.33.
Variant type: single nucleotide variant.
Coding change: c.6731T>C on transcript NM_199420.4 (MANE Select); coding-DNA position 6731, T replaced by C.
Protein change: p.Phe2244Ser; replaces phenylalanine 2244 with serine.
Molecular consequence: missense variant.
Genome position (GRCh38, 1-based): chr3:121,468,419, A>G on the plus strand (T>C on the coding strand, the complement: POLQ is on the minus strand). VCF-style: chr3-121468419-A-G. GRCh37 (hg19) VCF-style: chr3-121187266-A-G.
Other names: short protein forms F2244S.
Identifiers: ClinVar variation 2563845 (VCV002563845.2), dbSNP rs2047856232, ClinGen allele CA354111801.